The following is an entry in ClinVar:

NM_001009944.3(PKD1):c.12448C>T (p.Arg4150Cys)

Genes: MIR1225 (microRNA 1225; minus strand), PKD1 (polycystin 1, transient receptor potential channel interacting; minus strand), PKD1-AS1 (PKD1 antisense RNA 1; plus strand), TSC2 (TSC complex subunit 2; plus strand). Cytogenetic location: 16p13.3.
Variant type: single nucleotide variant.
Coding change: c.12448C>T on transcript NM_001009944.3 (MANE Select); coding-DNA position 12448, C replaced by T.
Protein change: p.Arg4150Cys; replaces arginine 4150 with cysteine.
Molecular consequence: missense variant.
Genome position (GRCh38, 1-based): chr16:2,090,191, G>A on the plus strand (C>T on the coding strand, the complement: PKD1 is on the minus strand). VCF-style: chr16-2090191-G-A. GRCh37 (hg19) VCF-style: chr16-2140192-G-A.
Other names: c.12445C>T, p.Arg4149Cys (NM_000296.4); short protein forms R4149C, R4150C.
Identifiers: ClinVar variation 805147 (VCV000805147.16), dbSNP rs1282668884, ClinGen allele CA394322901.

ClinVar aggregate classification (germline): Conflicting classifications of pathogenicity. Review status: criteria provided, conflicting classifications (1 of 4 stars). 12 submissions from 11 submitters: Pathogenic (5); Likely pathogenic (3); Uncertain significance (2). 2 of the submissions do not count toward it. Last evaluated 2026-09-01.

Conditions:
Polycystic kidney disease. Also called: Polycystic kidney dysplasia; Kidney, Polycystic. Identifiers: MedGen C0022680, MeSH D007690, MONDO:0020642, HP:0000113.
PKD1-related disorder. Also called: PKD1-related condition.
Autosomal dominant polycystic kidney disease. Identifiers: Orphanet 730, MedGen C0085413, MONDO:0004691.
Cystic renal disease.
Polycystic kidney disease, adult type (PKD1). Also called: Polycystic Kidney Disease 1, Autosomal Dominant; Polycystic kidney disease 1; Polycystic kidney disease 1, severe; POLYCYSTIC KIDNEY DISEASE, ADULT, TYPE I; Polycystic Kidney, Autosomal Dominant; POLYCYSTIC KIDNEY DISEASE 1 WITH OR WITHOUT POLYCYSTIC LIVER DISEASE. Identifiers: MedGen C3149841, MONDO:0008263, OMIM 173900.

Allele frequency attached by ClinVar (database versions not stated): gnomAD exomes below 0.00001; TOPMed 0.00002.
gnomAD v4.1: 1 of 1,604,492 alleles (0.000062%); highest among the groups gnomAD compares: Non-Finnish European, 0.000085%; no homozygotes.

Submissions (12):

GeneDx
Classification: Uncertain significance. Last evaluated: 2026-09-01. Review status: criteria provided, single submitter. Criteria: GeneDx Variant Classification Process June 2021. Collection method: clinical testing. Allele origin: germline.
Comment: Not observed at significant frequency in large population cohorts (gnomAD); In silico analysis supports that this missense variant has a deleterious effect on protein structure/function; This variant is associated with the following publications: (PMID: 31157564, 17574468, 25029430, 22508176, 22383692, 23431072, 35778421, 37268502, 37152951, 36938073, 35325889, 39033325, 37509056, 41282474)

PreventionGenetics, part of Exact Sciences
Classification: Pathogenic for PKD1-related condition. Last evaluated: 2026-05-11. Review status: criteria provided, single submitter. Criteria: ACMG Guidelines, 2015. Collection method: clinical testing. Allele origin: germline.
Comment: The PKD1 c.12448C>T variant is predicted to result in the amino acid substitution p.Arg4150Cys. This variant has been reported in individuals with autosomal dominant polycystic kidney disease (ADPKD) (see for example, reported as R4149C at Suppl. Table 4, Garcia-Gonzalez et al. 2007. PubMed ID: 17574468; Suppl. Table S5, Rossetti et al. 2012. PubMed ID: 22383692; Suppl. Table 1, Cornec-Le Gall et al. 2013. PubMed ID: 23431072; Table S3, Bleyer et al. 2022. PubMed ID: 35325889). In addition, we have previously found this variant in unrelated patients tested for polycystic kidney disease at PreventionGenetics (internal data). Of note, a different substitution at the same codon, defined as c.12449G>A (p.Arg4150His), has also been reported in individuals with ADPKD (Mori et al. 2016. PubMed ID: 26920127; Table S4, Nigro et al. 2023. PubMed ID: 37372416). The c.12448C>T (p.Arg4150Cys) variant has not been reported in a large population database (gnomAD), indicating this variant is rare. This variant is interpreted as pathogenic.

Genetics Laboratory, Great Ormond Street Hospital NHS Foundation Trust, North Thames Genomic Laboratory Hub
Classification: Likely pathogenic for Cystic renal disease. Last evaluated: 2026-02-04. Review status: criteria provided, single submitter. Criteria: ACGS Best Practice Guidelines for Variant Classification in Rare Disease 2024 v1.2. Collection method: clinical testing. Allele origin: germline. Affected: yes.
Comment: PS4_moderate, PM2_moderate, PM1_moderate, PP4_supporting

Institute of Medical Genetics and Applied Genomics, University Hospital Tübingen
Classification: Likely pathogenic for Polycystic kidney disease, adult type. Last evaluated: 2025-11-20. Review status: criteria provided, single submitter. Criteria: ACMG Guidelines, 2015. Collection method: clinical testing. Allele origin: germline. Inheritance: Autosomal dominant inheritance. Affected: yes.

Victorian Clinical Genetics Services, Murdoch Childrens Research Institute
Classification: Likely pathogenic for Polycystic kidney disease, adult type. Last evaluated: 2025-06-25. Review status: criteria provided, single submitter. Criteria: ACMG Guidelines, 2015. Collection method: clinical testing. Allele origin: germline. Affected: yes.
Comment: This variant is classified as Likely pathogenic. Evidence in support of pathogenic classification: Variant is present in gnomAD <0.001 for a dominant condition (v4: 1 heterozygote(s), 0 homozygote(s)); This variant has strong previous evidence of pathogenicity in unrelated individuals. This variant has been classified as pathogenic and as a VUS by clinical laboratories in ClinVar, and has been reported in the literature in multiple individuals with autosomal dominant polycystic kidney disease (ADPKD) (PMID: 22383692, 22508176, 26453610, 37152951); Missense variant predicted to be damaging by in silico tool(s) or highly conserved with a major amino acid change. Additional information: Variant is predicted to result in a missense amino acid change from arginine to cysteine; This variant is heterozygous; This gene is associated with autosomal dominant disease. Polycystic kidney disease 1 (MIM#173900) is predominantly caused by monoallelic variants, with rare reports of biallelic variants causing disease (OMIM); Alternative amino acid change(s) at the same position are present in gnomAD (Highest allele count: v4: 1 heterozygote(s), 0 homozygote(s)); Another missense variant(s) comparable to the one identified in this case has inconclusive previous evidence for pathogenicity. p.(Arg1450His) has been classified as a VUS by clinical laboratories in ClinVar, and has been reported in the literature in one individual with PKD (PMID: 26920127); Variant is not located in an established domain, motif, hotspot or informative constraint region; Loss of function is a known mechanism of disease in this gene and is associated with polycystic kidney disease 1 (MIM#173900); Inheritance information for this variant is not currently available in this individual.

Women's Health and Genetics/Laboratory Corporation of America, LabCorp
Classification: Pathogenic for Polycystic kidney disease, adult type. Last evaluated: 2025-05-02. Review status: criteria provided, single submitter. Criteria: LabCorp Variant Classification Summary - May 2015. Collection method: clinical testing. Allele origin: germline.
Comment: Variant summary: PKD1 c.12448C>T (p.Arg4150Cys) results in a non-conservative amino acid change in the encoded protein sequence. Algorithms developed to predict the effect of missense changes on protein structure and function are either unavailable or do not agree on the potential impact of this missense change. The variant was absent in 237372 control chromosomes (gnomAD). c.12448C>T has been observed in multiple individuals affected with Polycystic Kidney Disease 1 (e.g., Garcia-Gonzalez_2007, Cornec-Le Gall_2013). These data indicate that the variant is very likely to be associated with disease. The following publications have been ascertained in the context of this evaluation (PMID: 17574468, 23431072). ClinVar contains an entry for this variant (Variation ID: 805147). Based on the evidence outlined above, the variant was classified as pathogenic.

3billion
Classification: Uncertain significance for Polycystic kidney disease, adult type. Last evaluated: 2025-03-31. Review status: criteria provided, single submitter. Criteria: ACMG Guidelines, 2015. Collection method: clinical testing. Allele origin: germline. Affected: yes.

Blueprint Genetics
Classification: Pathogenic for PKD1-related disorders. Last evaluated: 2024-09-12. Review status: criteria provided, single submitter. Criteria: ACMG Guidelines, 2015. Collection method: clinical testing. Allele origin: germline. Affected: yes. Observed: 3 variant alleles.

Fulgent Genetics
Classification: Pathogenic for Polycystic kidney disease, adult type. Last evaluated: 2022-05-23. Review status: criteria provided, single submitter. Criteria: ACMG Guidelines, 2015. Collection method: clinical testing. Allele origin: unknown.

Athena Diagnostics
Classification: Pathogenic. Last evaluated: 2019-06-28. Review status: criteria provided, single submitter. Criteria: Athena Diagnostics Criteria. Collection method: clinical testing. Allele origin: germline.
Comment: The best available variant frequency is uninformative because there are too few occurrences in population data. Statistically enriched in patients compared to ethnically matched controls. Found in at least one symptomatic patient. Predicted to have a damaging effect on the protein. Damaging to protein function(s) relevant to disease mechanism.

Department of Pathology and Laboratory Medicine, Sinai Health System
Classification: Uncertain significance for Polycystic Kidney disease. Review status: no assertion criteria provided. Collection method: clinical testing. Allele origin: unknown. Affected: yes. Study: The Canadian Open Genetics Repository (COGR). Not counted in ClinVar's aggregate classification.
Comment: The PKD1 p.Arg4150Cys variant was identified in 3 of 1860 proband chromosomes (frequency: 0.002) from individuals or families with ADPKD and was not identified in 342 control chromosomes from healthy individuals (Audrezet 2012, Garcia-Gonzalez 2007, Hwang 2016, Rossetti 2012). The variant was also identified in ADPKD Mutation Database (as highly likely pathogenic). The variant was not identified in the dbSNP, ClinVar, LOVD 3.0 or PKD1-LOVD databases. The variant was not identified in the following control databases: the Exome Aggregation Consortium (August 8th 2016) or the Genome Aggregation Database (Feb 27, 2017). The p.Arg4150 residue is conserved across mammals and other organisms, and computational analyses (PolyPhen-2, SIFT, AlignGVGD, BLOSUM, MutationTaster) suggest that the variant may impact the protein; however, this information is not predictive enough to assume pathogenicity. The variant occurs outside of the splicing consensus sequence and in silico or computational prediction software programs (SpliceSiteFinder, MaxEntScan, NNSPLICE, GeneSplicer) do not predict a difference in splicing. In summary, based on the above information, the clinical significance of this variant cannot be determined with certainty at this time. This variant is classified as a variant of uncertain significance.

Department of Pathology and Laboratory Medicine, Sinai Health System
Classification: Uncertain significance for Autosomal dominant polycystic kidney disease. Review status: no assertion criteria provided. Collection method: clinical testing. Allele origin: unknown. Affected: yes. Study: The Canadian Open Genetics Repository (COGR). Not counted in ClinVar's aggregate classification.
Comment: the same text as in the submission from Department of Pathology and Laboratory Medicine, Sinai Health System above.

Literature cited by the submitters: PubMed 37152951 (cited by Victorian Clinical Genetics Services, Murdoch Childrens Research Institute); PubMed 26920127 (cited by Victorian Clinical Genetics Services, Murdoch Childrens Research Institute and 3billion); PubMed 22508176 (cited by Victorian Clinical Genetics Services, Murdoch Childrens Research Institute and Athena Diagnostics); PubMed 22383692 (cited by Victorian Clinical Genetics Services, Murdoch Childrens Research Institute and Athena Diagnostics); PubMed 26453610 (cited by Victorian Clinical Genetics Services, Murdoch Childrens Research Institute); PubMed 23431072 (cited by Women's Health and Genetics/Laboratory Corporation of America, LabCorp and Athena Diagnostics); PubMed 17574468 (cited by 3 submitters); PubMed 25029430 (cited by Athena Diagnostics); PubMed 31157564 (cited by Athena Diagnostics).